The following is an entry in ClinVar:

NM_001321527.2(GPAT2):c.126G>A (p.Lys42=)

Gene: GPAT2 (glycerol-3-phosphate acyltransferase 2, mitochondrial). Cytogenetic location: 2q11.2.
Variant type: single nucleotide variant.
Coding change: c.126G>A on transcript NM_001321527.2 (MANE Select); coding-DNA position 126, G replaced by A.
Protein change: p.Lys42=; no amino-acid change (lysine 42 retained).
Molecular consequence: synonymous variant.
Genome position (GRCh38, 1-based): chr2:96,032,084, C>T on the plus strand (G>A on the coding strand, the complement: GPAT2 is on the minus strand). VCF-style: chr2-96032084-C-T. GRCh37 (hg19) VCF-style: chr2-96697832-C-T.
Other names: c.126G>A, p.Lys42= (NM_001321525.2, NM_001321526.2, NM_001321528.2 and 5 more transcripts).
Identifiers: ClinVar variation 2651136 (VCV002651136.24), dbSNP rs749780723, ClinGen allele CA1775716.

ClinVar aggregate classification (germline): Likely benign (1 of 4 stars; one submission).

Allele frequency attached by ClinVar (database versions not stated): gnomAD 0.00008; ExAC 0.00010.

Submission:

CeGaT Center for Human Genetics Tuebingen
Classification: Likely benign. Last evaluated: 2023-03-01. Review status: criteria provided, single submitter. Criteria: CeGaT Center For Human Genetics Tuebingen Variant Classification Criteria Version 2. Collection method: clinical testing. Allele origin: germline. Affected: yes. Observed: 1 variant allele.
Comment: GPAT2: BP4, BP7